The following is an entry in ClinVar:

ClinVar aggregate classification (germline): Conflicting classifications of pathogenicity. Review status: criteria provided, conflicting classifications (1 of 4 stars). 9 submissions from 9 submitters: Uncertain significance (5); Likely benign (3). 1 of the submissions does not count toward it. Last evaluated 2025-07-14.

Conditions:
Hereditary cancer-predisposing syndrome. Also called: Tumor predisposition; Hereditary Cancer Syndrome; Neoplastic Syndromes, Hereditary; Hereditary neoplastic syndrome. Identifiers: Orphanet 140162, MedGen C0027672, MeSH D009386, MONDO:0015356.
Breast neoplasm. Also called: Breast Neoplasms; Neoplasm of the breast; Neoplasm of breast; Breast tumor. Identifiers: MedGen C1458155, MeSH D001943, MONDO:0021100, HP:0100013. Disease mechanism: gain of function.
Hereditary breast ovarian cancer syndrome. Also called: Breast and ovarian cancer; Hereditary breast and ovarian cancer; Hereditary breast and ovarian cancer syndrome; Hereditary breast and/or ovarian cancer syndrome; BRCA1- and BRCA2-Associated Hereditary Breast and Ovarian Cancer; Hereditary breast and ovarian cancer syndrome (HBOC). Identifiers: Orphanet 145, MedGen C0677776, MeSH D061325, MONDO:0003582. Disease mechanism: loss of function.
Breast-ovarian cancer, familial, susceptibility to, 1 (BROVCA1). Also called: BRCA1 Hereditary Breast and Ovarian Cancer; OVARIAN CANCER, SUSCEPTIBILITY TO. Identifiers: Orphanet 145, MedGen C2676676, MONDO:0011450, OMIM 604370. Disease mechanism: loss of function.
Familial cancer of breast. Also called: BREAST CANCER, FAMILIAL; hereditary breast carcinoma; Hereditary breast cancer. Identifiers: Orphanet 227535, MedGen C0346153, MONDO:0016419, OMIM 114480. Disease mechanism: loss of function.

Allele frequency attached by ClinVar (database versions not stated): TOPMed 0.00002.
gnomAD v4.1: 2 of 1,614,030 alleles (0.00012%); highest among the groups gnomAD compares: East Asian, 0.0022%; no homozygotes.

Submissions (9):

Labcorp Genetics (formerly Invitae), Labcorp
Classification: Uncertain significance for Hereditary breast ovarian cancer syndrome. Last evaluated: 2025-07-14. Review status: criteria provided, single submitter. Criteria: Invitae Variant Classification Sherloc (09022015). Collection method: clinical testing. Allele origin: germline.
Comment: This sequence change replaces arginine, which is basic and polar, with serine, which is neutral and polar, at codon 756 of the BRCA1 protein (p.Arg756Ser). This variant is present in population databases (no rsID available, gnomAD 0.006%). This missense change has been observed in individual(s) with hereditary breast, ovarian, and/or prostate cancer (PMID: 27257965, 30702160, 34326862, 35918668). ClinVar contains an entry for this variant (Variation ID: 224428). Invitae Evidence Modeling of protein sequence and biophysical properties (such as structural, functional, and spatial information, amino acid conservation, physicochemical variation, residue mobility, and thermodynamic stability) indicates that this missense variant is not expected to disrupt BRCA1 protein function with a negative predictive value of 80%. Experimental studies have shown that this missense change does not substantially affect BRCA1 function (PMID: 35196514). In summary, the available evidence is currently insufficient to determine the role of this variant in disease. Therefore, it has been classified as a Variant of Uncertain Significance.

Quest Diagnostics Nichols Institute San Juan Capistrano
Classification: Uncertain significance. Last evaluated: 2024-10-24. Review status: criteria provided, single submitter. Criteria: Quest Diagnostics criteria. Collection method: clinical testing. Allele origin: unknown.
Comment: The BRCA1 c.2268G>T (p.Arg756Ser) variant has been reported in the published literature in several individuals affected with breast and/or ovarian cancer (PMIDs: 27257965 (2016), 32566972 (2020), 32803532 (2020), 35918668 (2022)). It has also been reported in affected individuals, but not in reportedly healthy individuals, in a large-scale breast cancer association study (PMID: 33471991 (2021), see also LOVD). This variant was found with the BRCA2 c.1294del deleterious variant in an individual affected with breast cancer (PMID: 35864222 (2022)), suggesting that the BRCA1 c.2268G>T variant may not be the cause of disease. One functional study reported that this variant is functional in homology-directed DNA repair (PMID: 35196514 (2022)), however further research is necessary. The frequency of this variant in the general population, 0.000004 (1/251210 chromosomes (Genome Aggregation Database)), is uninformative in the assessment of its pathogenicity. Based on the available information, we are unable to determine the clinical significance of this variant.

Ambry Genetics
Classification: Uncertain significance for Hereditary cancer-predisposing syndrome. Last evaluated: 2024-07-25. Review status: criteria provided, single submitter. Criteria: Ambry Variant Classification Scheme 2023. Collection method: clinical testing. Allele origin: germline.
Comment: The p.R756S variant (also known as c.2268G>T), located in coding exon 9 of the BRCA1 gene, results from a G to T substitution at nucleotide position 2268. The arginine at codon 756 is replaced by serine, an amino acid with dissimilar properties. This alteration was identified in multiple individuals with a personal and/or family history of breast and/or ovarian cancer (Peixoto A et al. Fam Cancer, 2006 Jul;5:379-87; Zhong X et al. PLoS One, 2016 Jun;11:e0156789; Zhang Y et al. BMC Cancer, 2022 Aug;22:842). This amino acid position is not well conserved in available vertebrate species, and serine is the reference amino acid in other vertebrate species. In addition, this alteration is predicted to be tolerated by in silico analysis. Based on the available evidence, the clinical significance of this variant remains unclear.

All of Us Research Program, National Institutes of Health
Classification: Likely benign for Breast-ovarian cancer, familial, susceptibility to, 1. Last evaluated: 2023-11-02. Review status: criteria provided, single submitter. Criteria: ACMG Guidelines, 2015. Collection method: clinical testing. Allele origin: germline. Inheritance: Autosomal dominant inheritance. Observed: 1 variant allele, 1 heterozygote.
Comment: This study involves interpretation of variants in research participants for the purpose of population health screening. Participant phenotype was not available at the time of variant classification. Additional details can be found in publication PMID: 35346344, PMCID: PMC8962531

University of Washington Department of Laboratory Medicine, University of Washington
Classification: Likely benign for Hereditary cancer-predisposing syndrome. Last evaluated: 2023-03-23. Review status: criteria provided, single submitter. Criteria: Dines et al. (Genet Med. 2020). Collection method: curation. Allele origin: germline.
Comment: Missense variant in a coldspot region where missense variants are very unlikely to be pathogenic (PMID:31911673).

BRCA1 coldspot (exon 11 using historical exon numbering). Reclassification based on statistical prior probability

GeneDx
Classification: Uncertain significance. Last evaluated: 2020-02-10. Review status: criteria provided, single submitter. Criteria: GeneDx Variant Classification Process June 2021. Collection method: clinical testing. Allele origin: germline. Affected: yes.
Comment: Observed in individuals with a personal or family history including breast cancer (Peixoto 2006, Zhong 2016); In silico analysis supports that this missense variant has a deleterious effect on protein structure/function; Not observed at a significant frequency in large population cohorts (Lek 2016); Also known as c.2387G>T; This variant is associated with the following publications: (PMID: 16826315, 30702160, 27257965, 24916970, 31825140)

Color Diagnostics, LLC DBA Color Health
Classification: Likely benign for Hereditary cancer-predisposing syndrome. Last evaluated: 2016-11-10. Review status: criteria provided, single submitter. Criteria: ACMG Guidelines, 2015. Collection method: clinical testing. Allele origin: germline.

Laboratory of Molecular Diagnosis of Cancer, West China Hospital, Sichuan University
Classification: Uncertain significance for Breast neoplasm. Last evaluated: 2015-11-01. Review status: criteria provided, single submitter. Criteria: ACMG Guidelines, 2015. Collection method: research. Allele origin: germline. Affected: yes. Observed: 1 variant allele.

Center for Precision Medicine, Meizhou People's Hospital
Classification: Uncertain significance for Familial cancer of breast. Review status: no assertion criteria provided. Collection method: literature only. Allele origin: germline. Affected: yes. Not counted in ClinVar's aggregate classification.

Literature cited by the submitters: PubMed 27257965 (cited by 5 submitters); PubMed 30702160 (cited by Labcorp Genetics (formerly Invitae), Labcorp); PubMed 34326862 (cited by Labcorp Genetics (formerly Invitae), Labcorp); PubMed 35918668 (cited by 3 submitters); PubMed 35196514 (cited by Labcorp Genetics (formerly Invitae), Labcorp and Quest Diagnostics Nichols Institute San Juan Capistrano); PubMed 32467295 (cited by Quest Diagnostics Nichols Institute San Juan Capistrano); PubMed 35864222 (cited by Quest Diagnostics Nichols Institute San Juan Capistrano); PubMed 36922933 (cited by Quest Diagnostics Nichols Institute San Juan Capistrano); PubMed 33087888 (cited by Quest Diagnostics Nichols Institute San Juan Capistrano); PubMed 31853058 (cited by Quest Diagnostics Nichols Institute San Juan Capistrano); PubMed 39402389 (cited by Quest Diagnostics Nichols Institute San Juan Capistrano); PubMed 24916970 (cited by Quest Diagnostics Nichols Institute San Juan Capistrano); PubMed 32963034 (cited by Quest Diagnostics Nichols Institute San Juan Capistrano); PubMed 32566972 (cited by Quest Diagnostics Nichols Institute San Juan Capistrano); PubMed 31825140 (cited by Quest Diagnostics Nichols Institute San Juan Capistrano and Center for Precision Medicine, Meizhou People's Hospital); PubMed 32803532 (cited by Quest Diagnostics Nichols Institute San Juan Capistrano); PubMed 34235180 (cited by Quest Diagnostics Nichols Institute San Juan Capistrano); PubMed 16826315 (cited by Ambry Genetics).

NM_007294.4(BRCA1):c.2268G>T (p.Arg756Ser)

Gene: BRCA1 (BRCA1 DNA repair associated; minus strand). Cytogenetic location: 17q21.31.
Variant type: single nucleotide variant.
Coding change: c.2268G>T on transcript NM_007294.4 (MANE Select); coding-DNA position 2268, G replaced by T.
Protein change: p.Arg756Ser; replaces arginine 756 with serine.
Molecular consequence: missense variant. On other transcripts: intron variant (137).
Genome position (GRCh38, 1-based): chr17:43,093,263, C>A on the plus strand (G>T on the coding strand, the complement: BRCA1 is on the minus strand). VCF-style: chr17-43093263-C-A. GRCh37 (hg19) VCF-style: chr17-41245280-C-A.
Other names: c.2055G>T, p.Arg685Ser (NM_001407571.1, NM_001407853.1, NM_001407894.1 and 9 more transcripts); c.2268G>T, p.Arg756Ser (NM_001407581.1, NM_001407582.1, NM_001407583.1 and 30 more transcripts); c.2265G>T, p.Arg755Ser (NM_001407587.1, NM_001407590.1, NM_001407591.1 and 22 more transcripts); c.2190G>T, p.Arg730Ser (NM_001407657.1, NM_001407658.1, NM_001407663.1 and 4 more transcripts); c.2187G>T, p.Arg729Ser (NM_001407659.1, NM_001407660.1, NM_001407661.1 and 1 more transcripts); c.2145G>T, p.Arg715Ser (NM_001407664.1, NM_001407665.1, NM_001407676.1 and 19 more transcripts); c.2127G>T, p.Arg709Ser (NM_001407696.1, NM_001407697.1, NM_001407698.1 and 29 more transcripts); c.2124G>T, p.Arg708Ser (NM_001407740.1, NM_001407741.1, NM_001407742.1 and 20 more transcripts); and 41 more; short protein forms R756S, R709S, R460S, R628S, R714S, R685S, R686S, R689S.
Identifiers: ClinVar variation 224428 (VCV000224428.25), dbSNP rs80356884, ClinGen allele CA10575950.